The following is an entry in ClinVar:

ClinVar aggregate classification (germline): Benign (1 of 4 stars; one submission).

Allele frequency attached by ClinVar (database versions not stated): 1000 Genomes Project 30x 0.00796; 1000 Genomes Project 0.00799; gnomAD 0.00804 and 0.00866; TOPMed 0.00904.

Submission:

GeneDx
Classification: Benign. Last evaluated: 2014-05-14. Review status: criteria provided, single submitter. Criteria: GeneDx Variant Classification (06012015). Collection method: clinical testing. Allele origin: germline. Affected: yes.
Comment: This variant is considered likely benign or benign based on one or more of the following criteria: it is a conservative change, it occurs at a poorly conserved position in the protein, it is predicted to be benign by multiple in silico algorithms, and/or has population frequency not consistent with disease.

NM_000411.8(HLCS):c.-393+9391A>G

Gene: HLCS (holocarboxylase synthetase; minus strand). Cytogenetic location: 21q22.13.
Variant type: single nucleotide variant.
Coding change: c.-393+9391A>G on transcript NM_000411.8; 9391 bases into the intron after 393 bases upstream of the start codon, A replaced by G.
Molecular consequence: intron variant. On other transcripts: 5 prime UTR variant (1).
Genome position (GRCh38, 1-based): chr21:36,980,767, T>C on the plus strand (A>G on the coding strand, the complement: HLCS is on the minus strand). VCF-style: chr21-36980767-T-C. GRCh37 (hg19) VCF-style: chr21-38353067-T-C.
Other names: c.-373A>G (NM_001352516.2); c.-247+17A>G (NM_001352517.1); c.-393+17A>G (NM_001242785.2); c.-247+9391A>G (NM_001352515.2).
Identifiers: ClinVar variation 137554 (VCV000137554.3), dbSNP rs112242941, ClinGen allele CA291186.
Genomic context (GRCh38, chr21:36,980,767, plus strand): 5'-AACGCACCCAGGGGGGTGAAGGCGTAGTCGCCAAGGACAGCGCAGATGGCAGCGGAGGCA[T>C]GGGAGCCGGAACCTACCGTGGCAAAGGGCCAGGTCGGGACGCCCCTCGGCGCAGCCCCAA-3'